The following is an entry in ClinVar:

NM_005807.6(PRG4):c.301G>T (p.Glu101Ter)

Gene: PRG4 (proteoglycan 4; plus strand). Cytogenetic location: 1q31.1.
Variant type: single nucleotide variant.
Coding change: c.301G>T on transcript NM_005807.6 (MANE Select); coding-DNA position 301, G replaced by T.
Protein change: p.Glu101Ter; replaces glutamic acid 101 with a stop codon.
Molecular consequence: nonsense.
Genome position (GRCh38, 1-based): chr1:186,301,693, G>T. VCF-style: chr1-186301693-G-T. GRCh37 (hg19) VCF-style: chr1-186270825-G-T.
Other names: c.178G>T, p.Glu60Ter (NM_001127708.3, NM_001127710.3); c.301G>T, p.Glu101Ter (NM_001127709.3, NM_001303232.2); short protein forms E101*, E60*.
Identifiers: ClinVar variation 1526151 (VCV001526151.1), dbSNP rs748999850, ClinGen allele CA343919901.

ClinVar aggregate classification (germline): Pathogenic (1 of 4 stars; one submission).

Conditions:
Camptodactyly-arthropathy-coxa vara-pericarditis syndrome. Also called: FIBROSING SEROSITIS, FAMILIAL; PAC SYNDROME; Arthropathy camptodactyly syndrome; Pericarditis arthropathy camptodactyly syndrome; Congenital familial hypertrophic synovitis; JACOBS SYNDROME. Identifiers: Orphanet 2848, MedGen C1859690, MONDO:0008828, OMIM 208250.

Submission:

3billion
Classification: Pathogenic for Camptodactyly-arthropathy-coxa vara-pericarditis syndrome. Last evaluated: 2022-03-22. Review status: criteria provided, single submitter. Criteria: ACMG Guidelines, 2015. Collection method: clinical testing. Allele origin: germline. Affected: yes. Observed: 1 homozygote.
Comment: Stop-gained (nonsense): predicted to result in a loss or disruption of normal protein function through nonsense-mediated decay (NMD) or protein truncation. Multiple pathogenic variants are reported downstream of the variant.It is not observed in the gnomAD v2.1.1 dataset. Therefore, this variant is classified as pathogenic according to the recommendation of ACMG/AMP guideline.